The following is an entry in ClinVar:

NM_001009999.3(KDM1A):c.652G>C (p.Asp218His)

Gene: KDM1A (lysine demethylase 1A; plus strand). Cytogenetic location: 1p36.12.
Variant type: single nucleotide variant.
Coding change: c.652G>C on transcript NM_001009999.3 (MANE Select); coding-DNA position 652, G replaced by C.
Protein change: p.Asp218His; replaces aspartic acid 218 with histidine.
Molecular consequence: missense variant.
Genome position (GRCh38, 1-based): chr1:23,050,461, G>C. VCF-style: chr1-23050461-G-C. GRCh37 (hg19) VCF-style: chr1-23376954-G-C.
Other names: c.592G>C, p.Asp198His (NM_001363654.2, NM_001410763.1, NM_015013.4); c.652G>C, p.Asp218His (NM_001410762.1); short protein forms D218H, D198H.
Identifiers: ClinVar variation 4042078 (VCV004042078.1).
Genomic context (GRCh38, chr1:23,050,461, plus strand): 5'-GCTTTCCAGAGCCGACTTCCTCATGACCGGATGACTTCTCAAGAAGCAGCCTGTTTTCCA[G>C]ATATTATCAGTGGACCACAACAGACCCAGAAGGTTTTTCTTTTCATTAGAAACCGCACAG-3'
Protein context (NP_001009999.1, residues 208-228): MTSQEAACFP[Asp218His]IISGPQQTQK

ClinVar aggregate classification (germline): Uncertain significance (1 of 4 stars; one submission).

Conditions:
Inborn genetic diseases. Identifiers: MedGen C0950123, MeSH D030342.

gnomAD v4.1: 4 of 1,613,410 alleles (0.00025%); highest among the groups gnomAD compares: South Asian, 0.0022%; no homozygotes.

Submission:

Ambry Genetics
Classification: Uncertain significance for Inborn genetic diseases. Last evaluated: 2025-04-03. Review status: criteria provided, single submitter. Criteria: Ambry Variant Classification Scheme 2023. Collection method: clinical testing. Allele origin: germline.
Comment: The p.D218H variant (also known as c.652G>C), located in coding exon 4 of the KDM1A gene, results from a G to C substitution at nucleotide position 652. The aspartic acid at codon 218 is replaced by histidine, an amino acid with similar properties. This amino acid position is conserved. In addition, this alteration is predicted to be deleterious by in silico analysis. Based on the available evidence, the clinical significance of this variant remains unclear.